The following is an entry in ClinVar:

NM_001378.3(DYNC1I2):c.362C>A (p.Ser121Ter)

Gene: DYNC1I2 (dynein cytoplasmic 1 intermediate chain 2; plus strand). Cytogenetic location: 2q31.1.
Variant type: single nucleotide variant.
Coding change: c.362C>A on transcript NM_001378.3 (MANE Select); coding-DNA position 362, C replaced by A.
Protein change: p.Ser121Ter; replaces serine 121 with a stop codon.
Molecular consequence: nonsense. On other transcripts: intron variant (6).
Genome position (GRCh38, 1-based): chr2:171,712,793, C>A. VCF-style: chr2-171712793-C-A. GRCh37 (hg19) VCF-style: chr2-172569303-C-A.
Other names: c.362C>A, p.Ser121Ter (NM_001271785.2); c.344C>A, p.Ser115Ter (NM_001320882.2, NM_001320883.2, NM_001378455.1 and 1 more transcripts); c.372-2535C>A (NM_001271786.2, NM_001271787.2); c.318-2535C>A (NM_001271788.2, NM_001271790.2, NM_001271789.2 and 1 more transcripts); short protein forms S115*, S121*.
Identifiers: ClinVar variation 1723077 (VCV001723077.2), dbSNP rs1687213125, ClinGen allele CA349280991.

ClinVar aggregate classification (germline): Uncertain significance (1 of 4 stars; one submission).

Submission:

GeneDx
Classification: Uncertain significance. Last evaluated: 2022-05-05. Review status: criteria provided, single submitter. Criteria: GeneDx Variant Classification Process June 2021. Collection method: clinical testing. Allele origin: germline. Affected: yes.
Comment: Has not been previously published as pathogenic or benign to our knowledge; Nonsense variant predicted to result in protein truncation or nonsense mediated decay in a gene or region of a gene for which loss of function is not a well-established mechanism of disease; Not observed at significant frequency in large population cohorts (gnomAD)